The following is an entry in ClinVar:

NM_001253697.2(ERBIN):c.64G>A (p.Glu22Lys)

Gene: ERBIN (erbb2 interacting protein; plus strand). Cytogenetic location: 5q12.3.
Variant type: single nucleotide variant.
Coding change: c.64G>A on transcript NM_001253697.2 (MANE Select); coding-DNA position 64, G replaced by A.
Protein change: p.Glu22Lys; replaces glutamic acid 22 with lysine.
Molecular consequence: missense variant.
Genome position (GRCh38, 1-based): chr5:65,992,782, G>A. VCF-style: chr5-65992782-G-A. GRCh37 (hg19) VCF-style: chr5-65288610-G-A.
Other names: c.64G>A, p.Glu22Lys (NM_001006600.3, NM_001253698.2, NM_001253699.2 and 2 more transcripts); short protein forms E22K.
Identifiers: ClinVar variation 1473559 (VCV001473559.8), dbSNP rs2151049233, ClinGen allele CA359971797.

ClinVar aggregate classification (germline): Uncertain significance (1 of 4 stars; one submission).

Submission:

Labcorp Genetics (formerly Invitae), Labcorp
Classification: Uncertain significance. Last evaluated: 2021-03-20. Review status: criteria provided, single submitter. Criteria: Invitae Variant Classification Sherloc (09022015). Collection method: clinical testing. Allele origin: germline.
Comment: In summary, the available evidence is currently insufficient to determine the role of this variant in disease. Therefore, it has been classified as a Variant of Uncertain Significance. Algorithms developed to predict the effect of missense changes on protein structure and function are either unavailable or do not agree on the potential impact of this missense change (SIFT: "Deleterious"; PolyPhen-2: "Probably Damaging"; Align-GVGD: "Class C0"). This variant has not been reported in the literature in individuals with ERBIN-related conditions. This variant is not present in population databases (ExAC no frequency). This sequence change replaces glutamic acid with lysine at codon 22 of the ERBIN protein (p.Glu22Lys). The glutamic acid residue is highly conserved and there is a small physicochemical difference between glutamic acid and lysine.